The following is an entry in ClinVar:

NM_032608.7(MYO18B):c.4760A>T (p.Asp1587Val)

Genes: MYO18B (myosin XVIIIB; plus strand), MYO18B-AS1 (MYO18B antisense RNA 1; minus strand). Cytogenetic location: 22q12.1.
Variant type: single nucleotide variant.
Coding change: c.4760A>T on transcript NM_032608.7 (MANE Select); coding-DNA position 4760, A replaced by T.
Protein change: p.Asp1587Val; replaces aspartic acid 1587 with valine.
Molecular consequence: missense variant.
Genome position (GRCh38, 1-based): chr22:25,898,398, A>T. VCF-style: chr22-25898398-A-T. GRCh37 (hg19) VCF-style: chr22-26294365-A-T.
Other names: c.4763A>T, p.Asp1588Val (NM_001318245.2); c.4760A>T (NM_032608.5); short protein forms D1587V, D1588V.
Identifiers: ClinVar variation 1943510 (VCV001943510.3), dbSNP rs998358549, ClinGen allele CA322819011.

ClinVar aggregate classification (germline): Uncertain significance. Review status: criteria provided, multiple submitters, no conflicts (2 of 4 stars). 2 submissions from 2 submitters: Uncertain significance (2). Last evaluated 2025-03-19.

Conditions:
Inborn genetic diseases. Identifiers: MedGen C0950123, MeSH D030342.

Allele frequency attached by ClinVar (database versions not stated): gnomAD exomes 0.00001; TOPMed 0.00001; gnomAD 0.00003.
gnomAD v4.1: 16 of 1,613,828 alleles (0.00099%); highest among the groups gnomAD compares: African/African-American, 0.0027%; no homozygotes.

Submissions (2):

Ambry Genetics
Classification: Uncertain significance for Inborn genetic diseases. Last evaluated: 2025-03-19. Review status: criteria provided, single submitter. Criteria: Ambry Variant Classification Scheme 2023. Collection method: clinical testing. Allele origin: germline.

Labcorp Genetics (formerly Invitae), Labcorp
Classification: Uncertain significance. Last evaluated: 2022-03-30. Review status: criteria provided, single submitter. Criteria: Invitae Variant Classification Sherloc (09022015). Collection method: clinical testing. Allele origin: germline.
Comment: This sequence change replaces aspartic acid, which is acidic and polar, with valine, which is neutral and non-polar, at codon 1587 of the MYO18B protein (p.Asp1587Val). This variant is present in population databases (no rsID available, gnomAD 0.007%). This variant has not been reported in the literature in individuals affected with MYO18B-related conditions. Algorithms developed to predict the effect of missense changes on protein structure and function are either unavailable or do not agree on the potential impact of this missense change (SIFT: "Not Available"; PolyPhen-2: "Probably Damaging"; Align-GVGD: "Not Available"). In summary, the available evidence is currently insufficient to determine the role of this variant in disease. Therefore, it has been classified as a Variant of Uncertain Significance.